The following is an entry in ClinVar:

NM_003998.4(NFKB1):c.1813G>T (p.Ala605Ser)

Gene: NFKB1 (nuclear factor kappa B subunit 1; plus strand). Cytogenetic location: 4q24.
Variant type: single nucleotide variant.
Coding change: c.1813G>T on transcript NM_003998.4 (MANE Select); coding-DNA position 1813, G replaced by T.
Protein change: p.Ala605Ser; replaces alanine 605 with serine.
Molecular consequence: missense variant.
Genome position (GRCh38, 1-based): chr4:102,606,556, G>T. VCF-style: chr4-102606556-G-T. GRCh37 (hg19) VCF-style: chr4-103527713-G-T.
Other names: c.1810G>T, p.Ala604Ser (NM_001165412.2, NM_001319226.2, NM_001382627.1); c.1813G>T, p.Ala605Ser (NM_001382625.1, NM_001382626.1); c.1771G>T, p.Ala591Ser (NM_001382628.1); short protein forms A604S, A591S, A605S.
Identifiers: ClinVar variation 2011633 (VCV002011633.4), dbSNP rs2476539791, ClinGen allele CA357751961.

ClinVar aggregate classification (germline): Uncertain significance (1 of 4 stars; one submission).

Submission:

Labcorp Genetics (formerly Invitae), Labcorp
Classification: Uncertain significance. Last evaluated: 2022-06-27. Review status: criteria provided, single submitter. Criteria: Invitae Variant Classification Sherloc (09022015). Collection method: clinical testing. Allele origin: germline.
Comment: This variant has not been reported in the literature in individuals affected with NFKB1-related conditions. In summary, the available evidence is currently insufficient to determine the role of this variant in disease. Therefore, it has been classified as a Variant of Uncertain Significance. Algorithms developed to predict the effect of missense changes on protein structure and function are either unavailable or do not agree on the potential impact of this missense change (SIFT: "Deleterious"; PolyPhen-2: "Possibly Damaging"; Align-GVGD: "Class C15"). This variant is not present in population databases (gnomAD no frequency). This sequence change replaces alanine, which is neutral and non-polar, with serine, which is neutral and polar, at codon 605 of the NFKB1 protein (p.Ala605Ser).